The following is an entry in ClinVar:

ClinVar aggregate classification (germline): Conflicting classifications of pathogenicity. Review status: criteria provided, conflicting classifications (1 of 4 stars). 3 submissions from 3 submitters: Uncertain significance (2); Likely benign (1). Last evaluated 2025-01-13.

Conditions:
Inborn genetic diseases. Identifiers: MedGen C0950123, MeSH D030342.

Allele frequency attached by ClinVar (database versions not stated): gnomAD 0.00002 and 0.00003; TOPMed 0.00005; gnomAD exomes 0.00006 and 0.00012; ExAC 0.00008.
gnomAD v4.1: 42 of 1,614,128 alleles (0.0026%); highest among the groups gnomAD compares: Admixed American, 0.07%; no homozygotes.

Submissions (3):

Labcorp Genetics (formerly Invitae), Labcorp
Classification: Uncertain significance. Last evaluated: 2025-01-13. Review status: criteria provided, single submitter. Criteria: Invitae Variant Classification Sherloc (09022015). Collection method: clinical testing. Allele origin: germline.
Comment: This sequence change replaces serine, which is neutral and polar, with glycine, which is neutral and non-polar, at codon 717 of the AGBL5 protein (p.Ser717Gly). This variant is present in population databases (rs767822086, gnomAD 0.1%). This variant has not been reported in the literature in individuals affected with AGBL5-related conditions. ClinVar contains an entry for this variant (Variation ID: 1024510). An algorithm developed to predict the effect of missense changes on protein structure and function outputs the following: PolyPhen-2: "Benign". The glycine amino acid residue is found in multiple mammalian species, which suggests that this missense change does not adversely affect protein function. In summary, the available evidence is currently insufficient to determine the role of this variant in disease. Therefore, it has been classified as a Variant of Uncertain Significance.

Ambry Genetics
Classification: Uncertain significance for Inborn genetic diseases. Last evaluated: 2023-06-01. Review status: criteria provided, single submitter. Criteria: Ambry Variant Classification Scheme 2023. Collection method: clinical testing. Allele origin: germline.

Blueprint Genetics
Classification: Likely benign. Last evaluated: 2022-11-23. Review status: criteria provided, single submitter. Criteria: ACMG Guidelines, 2015. Collection method: clinical testing. Allele origin: germline.

NM_021831.6(AGBL5):c.2149A>G (p.Ser717Gly)

Gene: AGBL5 (AGBL carboxypeptidase 5; plus strand). Cytogenetic location: 2p23.3.
Variant type: single nucleotide variant.
Coding change: c.2149A>G on transcript NM_021831.6 (MANE Select); coding-DNA position 2149, A replaced by G.
Protein change: p.Ser717Gly; replaces serine 717 with glycine.
Molecular consequence: missense variant. On other transcripts: non-coding transcript variant (2).
Genome position (GRCh38, 1-based): chr2:27,067,553, A>G. VCF-style: chr2-27067553-A-G. GRCh37 (hg19) VCF-style: chr2-27290421-A-G.
Other names: c.2149A>G (NM_021831.5); short protein forms S717G.
Identifiers: ClinVar variation 1024510 (VCV001024510.9), dbSNP rs767822086, ClinGen allele CA1568108.